The following is an entry in ClinVar:

ClinVar aggregate classification (germline): Uncertain significance (1 of 4 stars; one submission).

gnomAD v4.1: 1 of 1,614,116 alleles (0.000062%); highest among the groups gnomAD compares: Admixed American, 0.0017%; no homozygotes.

Submission:

Ambry Genetics
Classification: Uncertain significance. Last evaluated: 2025-08-22. Review status: criteria provided, single submitter. Criteria: Ambry Variant Classification Scheme 2023. Collection method: clinical testing. Allele origin: germline.
Comment: The p.A547D variant (also known as c.1640C>A), located in coding exon 8 of the ATRIP gene, results from a C to A substitution at nucleotide position 1640. The alanine at codon 547 is replaced by aspartic acid, an amino acid with dissimilar properties. This amino acid position is conserved. In addition, this alteration is predicted to be tolerated by in silico analysis. Based on the available evidence, the clinical significance of this variant remains unclear.

NM_130384.3(ATRIP):c.1640C>A (p.Ala547Asp)

Genes: ATRIP (ATR interacting protein; plus strand), ATRIP-TREX1 (ATRIP-TREX1 readthrough; plus strand). Cytogenetic location: 3p21.31.
Variant type: single nucleotide variant.
Coding change: c.1640C>A on transcript NM_130384.3 (MANE Select); coding-DNA position 1640, C replaced by A.
Protein change: p.Ala547Asp; replaces alanine 547 with aspartic acid.
Molecular consequence: missense variant. On other transcripts: non-coding transcript variant (1).
Genome position (GRCh38, 1-based): chr3:48,460,694, C>A. VCF-style: chr3-48460694-C-A. GRCh37 (hg19) VCF-style: chr3-48502093-C-A.
Other names: c.1259C>A, p.Ala420Asp (NM_001271022.2); c.1361C>A, p.Ala454Asp (NM_001271023.2); c.1640C>A, p.Ala547Asp (NM_032166.4); short protein forms A454D, A547D, A420D.
Identifiers: ClinVar variation 4182593 (VCV004182593.1).